The following is an entry in ClinVar:

ClinVar aggregate classification (germline): Likely benign. Review status: reviewed by expert panel (3 of 4 stars). 2 submissions from 2 submitters: Likely benign (1). 1 of the submissions does not count toward it. Last evaluated 2024-09-18.

Conditions:
Hereditary thrombocytopenia and hematologic cancer predisposition syndrome. Identifiers: Orphanet 71290, MedGen CN281654, MONDO:0011071.
Hereditary thrombocytopenia and hematological cancer predisposition syndrome associated with RUNX1. Also called: RUNX1 Familial Platelet Disorder with Associated Myeloid Malignancies; Familial Platelet Disorder with Propensity to Acute Myelogenous Leukemia; Familial thrombocytopenia with propensity to acute myelogenous leukemia; PLATELET DISORDER, ASPIRIN-LIKE. Identifiers: Orphanet 71290, MedGen C1832388, MeSH C563324, MONDO:0100083, OMIM 601399.

Submissions (2):

ClinGen Myeloid Malignancy Variant Curation Expert Panel
Classification: Likely benign for Hereditary thrombocytopenia and hematologic cancer predisposition syndrome. Last evaluated: 2024-09-18. Review status: reviewed by expert panel. Criteria: ClinGen MyeloMalig ACMG Specifications v2. Collection method: curation. Allele origin: germline. Inheritance: Autosomal dominant inheritance.
Comment: NM_001754.5(RUNX1):c.614-7A>C is a synonymous variant with a SpliceAI score of 0.01, which is ≤ 0.20 (BP4). Additionally, evolutionary conservation algorithms predict the site as being not conserved, with a PhyloP score of -0.14, which is ≤ 2.0 (BP7). In summary, this variant meets the criteria to be classified as likely benign. ACMG/AMP criteria applied, as specified by the Myeloid Malignancy Variant Curation Expert Panel for RUNX1: BP4, BP7.

Labcorp Genetics (formerly Invitae), Labcorp
Classification: Likely benign for Hereditary thrombocytopenia and hematological cancer predisposition syndrome associated with RUNX1. Last evaluated: 2023-02-10. Review status: criteria provided, single submitter. Criteria: Invitae Variant Classification Sherloc (09022015). Collection method: clinical testing. Allele origin: germline. Not counted in ClinVar's aggregate classification.

NM_001754.5(RUNX1):c.614-7A>C

Gene: RUNX1 (RUNX family transcription factor 1; minus strand). Cytogenetic location: 21q22.12.
Variant type: single nucleotide variant.
Coding change: c.614-7A>C on transcript NM_001754.5 (MANE Select); 7 bases into the intron before coding-DNA position 614, A replaced by C.
Molecular consequence: intron variant.
Genome position (GRCh38, 1-based): chr21:34,834,608, T>G on the plus strand (A>C on the coding strand, the complement: RUNX1 is on the minus strand). VCF-style: chr21-34834608-T-G. GRCh37 (hg19) VCF-style: chr21-36206905-T-G.
Other names: c.533-7A>C (NM_001001890.3, NM_001122607.2).
Identifiers: ClinVar variation 1570625 (VCV001570625.9), dbSNP rs763091190, ClinGen allele CA748913376.